The following is an entry in ClinVar:

NM_005529.7(HSPG2):c.6109C>T (p.Arg2037Trp)

Gene: HSPG2 (heparan sulfate proteoglycan 2; minus strand). Cytogenetic location: 1p36.12.
Variant type: single nucleotide variant.
Coding change: c.6109C>T on transcript NM_005529.7 (MANE Select); coding-DNA position 6109, C replaced by T.
Protein change: p.Arg2037Trp; replaces arginine 2037 with tryptophan.
Molecular consequence: missense variant.
Genome position (GRCh38, 1-based): chr1:21,854,872, G>A on the plus strand (C>T on the coding strand, the complement: HSPG2 is on the minus strand). VCF-style: chr1-21854872-G-A. GRCh37 (hg19) VCF-style: chr1-22181365-G-A.
Other names: c.6112C>T, p.Arg2038Trp (NM_001291860.2); short protein forms R2037W, R2038W.
Identifiers: ClinVar variation 5039573 (VCV005039573.1).

ClinVar aggregate classification (germline): Likely benign (1 of 4 stars; one submission).

gnomAD v4.1: 8 of 1,614,076 alleles (0.0005%); highest among the groups gnomAD compares: African/African-American, 0.008%; no homozygotes.

Submission:

CeGaT Center for Human Genetics Tuebingen
Classification: Likely benign. Last evaluated: 2026-07-01. Review status: criteria provided, single submitter. Criteria: CeGaT Center For Human Genetics Tuebingen Variant Classification Criteria Version 2. Collection method: clinical testing. Allele origin: germline. Affected: yes. Observed: 1 variant allele.
Comment: HSPG2: BP4